The following is an entry in ClinVar:

NM_001113378.2(FANCI):c.1517T>G (p.Leu506Arg)

Gene: FANCI (FA complementation group I; plus strand). Cytogenetic location: 15q26.1.
Variant type: single nucleotide variant.
Coding change: c.1517T>G on transcript NM_001113378.2 (MANE Select); coding-DNA position 1517, T replaced by G.
Protein change: p.Leu506Arg; replaces leucine 506 with arginine.
Molecular consequence: missense variant.
Genome position (GRCh38, 1-based): chr15:89,281,769, T>G. VCF-style: chr15-89281769-T-G. GRCh37 (hg19) VCF-style: chr15-89825000-T-G.
Other names: c.1238T>G, p.Leu413Arg (NM_001376910.1); c.1517T>G, p.Leu506Arg (NM_001376911.1, NM_018193.3); short protein forms L413R, L506R.
Identifiers: ClinVar variation 1386777 (VCV001386777.3), dbSNP rs2151558457, ClinGen allele CA393744571.

ClinVar aggregate classification (germline): Uncertain significance (1 of 4 stars; one submission).

Conditions:
Fanconi anemia (FA). Also called: Fanconi's anemia. Identifiers: Orphanet 84, MedGen C0015625, MeSH D005199, MONDO:0019391.

gnomAD v4.1: 2 of 1,613,928 alleles (0.00012%); highest among the groups gnomAD compares: Middle Eastern, 0.017%; no homozygotes.

Submission:

Labcorp Genetics (formerly Invitae), Labcorp
Classification: Uncertain significance for Fanconi anemia. Last evaluated: 2021-10-13. Review status: criteria provided, single submitter. Criteria: Invitae Variant Classification Sherloc (09022015). Collection method: clinical testing. Allele origin: germline.
Comment: This sequence change replaces leucine with arginine at codon 506 of the FANCI protein (p.Leu506Arg). The leucine residue is highly conserved and there is a moderate physicochemical difference between leucine and arginine. This variant is not present in population databases (ExAC no frequency). This variant has not been reported in the literature in individuals affected with FANCI-related conditions. Algorithms developed to predict the effect of missense changes on protein structure and function (SIFT, PolyPhen-2, Align-GVGD) all suggest that this variant is likely to be disruptive. In summary, the available evidence is currently insufficient to determine the role of this variant in disease. Therefore, it has been classified as a Variant of Uncertain Significance.